The following is an entry in ClinVar:

ClinVar aggregate classification (germline): Uncertain significance (1 of 4 stars; one submission).

Allele frequency attached by ClinVar (database versions not stated): gnomAD exomes below 0.00001 and 0.00001; gnomAD 0.00001; TOPMed 0.00002.
gnomAD v4.1: 6 of 1,613,944 alleles (0.00037%); highest among the groups gnomAD compares: Admixed American, 0.0033%; no homozygotes.

Submission:

Labcorp Genetics (formerly Invitae), Labcorp
Classification: Uncertain significance. Last evaluated: 2022-09-13. Review status: criteria provided, single submitter. Criteria: Invitae Variant Classification Sherloc (09022015). Collection method: clinical testing. Allele origin: germline.
Comment: This sequence change replaces threonine, which is neutral and polar, with alanine, which is neutral and non-polar, at codon 683 of the FCHO1 protein (p.Thr683Ala). This variant is present in population databases (no rsID available, gnomAD 0.006%). This variant has not been reported in the literature in individuals affected with FCHO1-related conditions. Algorithms developed to predict the effect of missense changes on protein structure and function output the following: SIFT: "Tolerated"; PolyPhen-2: "Benign"; Align-GVGD: "Class C0". The alanine amino acid residue is found in multiple mammalian species, which suggests that this missense change does not adversely affect protein function. In summary, the available evidence is currently insufficient to determine the role of this variant in disease. Therefore, it has been classified as a Variant of Uncertain Significance.

NM_015122.3(FCHO1):c.2047A>G (p.Thr683Ala)

Gene: FCHO1 (FCH and mu domain containing endocytic adaptor 1; plus strand). Cytogenetic location: 19p13.11.
Variant type: single nucleotide variant.
Coding change: c.2047A>G on transcript NM_015122.3 (MANE Select); coding-DNA position 2047, A replaced by G.
Protein change: p.Thr683Ala; replaces threonine 683 with alanine.
Molecular consequence: missense variant. On other transcripts: non-coding transcript variant (36).
Genome position (GRCh38, 1-based): chr19:17,783,126, A>G. VCF-style: chr19-17783126-A-G. GRCh37 (hg19) VCF-style: chr19-17893935-A-G.
Other names: c.2047A>G, p.Thr683Ala (NM_001161357.2, NM_001161358.2, NM_001384370.1 and 13 more transcripts); c.1897A>G, p.Thr633Ala (NM_001161359.2, NM_001384384.1, NM_001384385.1 and 1 more transcripts); c.2008A>G, p.Thr670Ala (NM_001384388.1, NM_001384389.1, NM_001384405.1); c.1972A>G, p.Thr658Ala (NM_001384390.1); c.1930A>G, p.Thr644Ala (NM_001384392.1, NM_001384393.1, NM_001384394.1 and 1 more transcripts); c.1771A>G, p.Thr591Ala (NM_001384396.1, NM_001384397.1, NM_001384398.1 and 5 more transcripts); c.1726A>G, p.Thr576Ala (NM_001384403.1); c.1621A>G, p.Thr541Ala (NM_001384406.1); and 1 more; short protein forms T493A, T658A, T683A, T576A, T591A, T541A, T633A, T644A.
Identifiers: ClinVar variation 1352548 (VCV001352548.3), dbSNP rs1202017063, ClinGen allele CA404756158.